The following is an entry in ClinVar:

NM_032549.4(IMMP2L):c.305+443A>C

Gene: IMMP2L (inner mitochondrial membrane peptidase subunit 2; minus strand). Cytogenetic location: 7q31.1.
Variant type: single nucleotide variant.
Coding change: c.305+443A>C on transcript NM_032549.4 (MANE Select); 443 bases into the intron after coding-DNA position 305, A replaced by C.
Molecular consequence: intron variant. On other transcripts: 3 prime UTR variant (1).
Genome position (GRCh38, 1-based): chr7:110,963,057, T>G on the plus strand (A>C on the coding strand, the complement: IMMP2L is on the minus strand). VCF-style: chr7-110963057-T-G. GRCh37 (hg19) VCF-style: chr7-110603113-T-G.
Other names: c.*6A>C (NM_001350962.2); c.305+443A>C (NM_001350963.2, NM_001244606.2, NM_001350959.2 and 1 more transcripts); c.389+443A>C (NM_001350961.2).
Identifiers: ClinVar variation 3037725 (VCV003037725.2), dbSNP rs1035996940, ClinGen allele CA164734595.
Genomic context (GRCh38, chr7:110,963,057, plus strand): 5'-CACCTGATTGTTACAATCTTATCATCTAAAGCTTTCATTCTTGTCACTGATTCGGAAGTT[T>G]CTGTTTCATATCCTTTTCAGTTTTCTCCCATCTCTATGAGTACAAAAGAGTCCTCTTAGT-3'

ClinVar aggregate classification (germline): Likely benign (0 of 4 stars; one submission).

Conditions:
IMMP2L-related disorder. Also called: IMMP2L-related condition.

Allele frequency attached by ClinVar (database versions not stated): gnomAD 0.00001; gnomAD exomes 0.00001; TOPMed 0.00001.
gnomAD v4.1: 8 of 1,527,054 alleles (0.00052%); highest among the groups gnomAD compares: African/African-American, 0.0028%; no homozygotes.

Submission:

PreventionGenetics, part of Exact Sciences
Classification: Likely benign for IMMP2L-related condition. Last evaluated: 2019-04-30. Review status: no assertion criteria provided. Collection method: clinical testing. Allele origin: germline.
Comment: This variant is classified as likely benign based on ACMG/AMP sequence variant interpretation guidelines (Richards et al. 2015 PMID: 25741868, with internal and published modifications).